The following is an entry in ClinVar:

NM_000053.4(ATP7B):c.3122G>A (p.Arg1041Gln)

Gene: ATP7B (ATPase copper transporting beta; minus strand). Cytogenetic location: 13q14.3.
Variant type: single nucleotide variant.
Coding change: c.3122G>A on transcript NM_000053.4 (MANE Select); coding-DNA position 3122, G replaced by A.
Protein change: p.Arg1041Gln; replaces arginine 1041 with glutamine.
Molecular consequence: missense variant. On other transcripts: intron variant (1).
Genome position (GRCh38, 1-based): chr13:51,944,230, C>T on the plus strand (G>A on the coding strand, the complement: ATP7B is on the minus strand). VCF-style: chr13-51944230-C-T. GRCh37 (hg19) VCF-style: chr13-52518366-C-T.
Other names: c.3122G>A, p.Arg1041Gln (NM_001406511.1, NM_001406512.1, NM_001406526.1); c.3116G>A, p.Arg1039Gln (NM_001406513.1); c.3089G>A, p.Arg1030Gln (NM_001406514.1); c.3068G>A, p.Arg1023Gln (NM_001406515.1, NM_001406516.1); c.3026G>A, p.Arg1009Gln (NM_001406517.1, NM_001406518.1); c.2987G>A, p.Arg996Gln (NM_001406519.1); c.2978G>A, p.Arg993Gln (NM_001406520.1, NM_001406521.1, NM_001406522.1); c.2945G>A, p.Arg982Gln (NM_001406524.1); and 19 more; short protein forms R1009Q, R1023Q, R1030Q, R1039Q, R1041Q, R611Q, R760Q, R814Q.
Identifiers: ClinVar variation 3075298 (VCV003075298.3), dbSNP rs2547628381, ClinGen allele CA388030306.
Genomic context (GRCh38, chr13:51,944,230, plus strand): 5'-CCCACCACAGCCAGAACCTTCCTGAGGGGCAGTGTGGCCACATCCCCCAGCAGGAGCACC[C>T]GCATGACCCTGGGGACGCCATGGGTAATGGTGCCAGTCTTGTCAAACATCACAGTCTTTA-3'
Protein context (NP_000044.2, residues 1031-1051): TITHGVPRVM[Arg1041Gln]VLLLGDVATL

ClinVar aggregate classification (germline): Uncertain significance. Review status: criteria provided, multiple submitters, no conflicts (2 of 4 stars). 3 submissions from 3 submitters: Uncertain significance (3). Last evaluated 2026-08-10.

Conditions:
Wilson disease (WND). Also called: Wilson's disease. Identifiers: Orphanet 905, MedGen C0019202, MONDO:0010200, OMIM 277900. Disease mechanism: loss of function.

Allele frequency attached by ClinVar (database versions not stated): gnomAD exomes below 0.00001.
gnomAD v4.1: 6 of 1,614,104 alleles (0.00037%); highest among the groups gnomAD compares: East Asian, 0.0022%; no homozygotes.

Submissions (3):

Myriad Genetics, Inc.
Classification: Uncertain significance for Wilson disease. Last evaluated: 2026-08-10. Review status: criteria provided, single submitter. Criteria: Myriad Autosomal Dominant, Autosomal Recessive and X-Linked Classification Criteria (2023). Collection method: clinical testing. Allele origin: unknown.
Comment: NM_000053.3(ATP7B):c.3122G>A(R1041Q) is a missense variant classified as a variant of uncertain significance in the context of Wilson disease. R1041Q has not been observed in cases with relevant disease. Relevant functional assessments of this variant are not available in the literature. R1041Q has not been observed in referenced population frequency databases. In summary, there is insufficient evidence to classify NM_000053.3(ATP7B):c.3122G>A(R1041Q) as pathogenic or benign. Please note: this variant was assessed in the context of healthy population screening.

All of Us Research Program, National Institutes of Health
Classification: Uncertain significance for Wilson disease. Last evaluated: 2024-01-08. Review status: criteria provided, single submitter. Criteria: ACMG Guidelines, 2015. Collection method: clinical testing. Allele origin: germline. Inheritance: Autosomal recessive inheritance. Observed: 1 variant allele, 1 heterozygote.
Comment: This missense variant replaces arginine with glutamine at codon 1041 of the ATP7B protein. Computational prediction suggests that this variant may not impact protein structure and function (internally defined REVEL score threshold <= 0.5, PMID: 27666373). To our knowledge, functional studies have not been reported for this variant. This variant has not been reported in individuals affected with autosomal recessive Wilson disease in the literature. This variant has not been identified in the general population by the Genome Aggregation Database (gnomAD). A different missense variant occurring at the same codon, p.Arg1041Trp, is known to cause disease (ClinVar variation ID: 312384), indicating that arginine at this position is important for ATP7B protein function. The available evidence is insufficient to determine the role of this variant in disease conclusively. Therefore, this variant is classified as a Variant of Uncertain Significance.

This study involves interpretation of variants in research participants for the purpose of population health screening. Participant phenotype was not available at the time of variant classification. Additional details can be found in publication PMID: 35346344, PMCID: PMC8962531

Blueprint Genetics
Classification: Uncertain significance. Last evaluated: 2019-05-24. Review status: criteria provided, single submitter. Criteria: ACMG Guidelines, 2015. Collection method: clinical testing. Allele origin: germline.